The following is an entry in ClinVar:

NM_001572.5(IRF7):c.184-3C>A

Gene: IRF7 (interferon regulatory factor 7; minus strand). Cytogenetic location: 11p15.5.
Variant type: single nucleotide variant.
Coding change: c.184-3C>A on transcript NM_001572.5 (MANE Select); 3 bases into the intron before coding-DNA position 184, C replaced by A.
Molecular consequence: intron variant.
Genome position (GRCh38, 1-based): chr11:615,010, G>T on the plus strand (C>A on the coding strand, the complement: IRF7 is on the minus strand). VCF-style: chr11-615010-G-T. GRCh37 (hg19) VCF-style: chr11-615010-G-T.
Other names: p.?; c.184-3C>A (NM_004029.4); c.223-3C>A (NM_004031.4).
Identifiers: ClinVar variation 1170390 (VCV001170390.18), dbSNP rs12290989, ClinGen allele CA5784048.

ClinVar aggregate classification (germline): Benign. Review status: criteria provided, multiple submitters, no conflicts (2 of 4 stars). 6 submissions from 6 submitters: Benign (6). Last evaluated 2026-01-05.

Conditions:
Immunodeficiency 39 (IMD39). Identifiers: Orphanet 574918, MedGen C4225358, MONDO:0014597, OMIM 616345.

Allele frequency attached by ClinVar (database versions not stated): gnomAD exomes 0.24990 and 0.26563; ESP Exome Variant Server 0.27134; 1000 Genomes Project 0.27616; 1000 Genomes Project 30x 0.28623; ExAC 0.31312; gnomAD 0.32473 and 0.33660; TOPMed 0.34548.
gnomAD v4.1: 419,067 of 1,542,680 alleles (27%); highest among the groups gnomAD compares: African/African-American, 52%; 62,014 homozygotes.

Submissions (20):

Labcorp Genetics (formerly Invitae), Labcorp
Classification: Benign for Immunodeficiency 39. Last evaluated: 2026-01-05. Review status: criteria provided, single submitter. Criteria: Invitae Variant Classification Sherloc (09022015). Collection method: clinical testing. Allele origin: germline.

Unidad de Genómica Garrahan, Hospital de Pediatría Garrahan
Classification: Benign. Last evaluated: 2024-01-24. Review status: criteria provided, single submitter. Criteria: ACMG Guidelines, 2015. Collection method: clinical testing. Allele origin: germline. Affected: no. Observed: 56 variant alleles.
Comment: This variant is classified as Benign based on local population frequency. This variant was detected in 59% of patients studied by a panel of primary immunodeficiencies. Number of patients: 56. Only high quality variants are reported.

Mayo Clinic Laboratories, Mayo Clinic
Classification: Benign. Last evaluated: 2022-09-06. Review status: criteria provided, single submitter. Criteria: ACMG Guidelines, 2015. Collection method: clinical testing. Allele origin: germline. Observed: 3 variant alleles.

Genome-Nilou Lab
Classification: Benign for Immunodeficiency 39. Last evaluated: 2021-07-14. Review status: criteria provided, single submitter. Criteria: ACMG Guidelines, 2015. Collection method: clinical testing. Allele origin: germline. Affected: no.

GeneDx
Classification: Benign. Last evaluated: 2020-04-07. Review status: criteria provided, single submitter. Criteria: GeneDx Variant Classification Process June 2021. Collection method: clinical testing. Allele origin: germline. Affected: yes.

Breakthrough Genomics
Classification: Benign. Review status: criteria provided, single submitter. Criteria: ACMG Guidelines, 2015. Collection method: not provided. Allele origin: germline. Inheritance: Autosomal recessive inheritance. Affected: yes.

Dr. Peter K. Rogan Lab, Western University
No classification provided (evidence only). Condition: Familial cancer of breast. Review status: no classification provided. Collection method: in vitro. Allele origin: not applicable. Functional consequence: retained intron. Not counted in ClinVar's aggregate classification.

Dr. Peter K. Rogan Lab, Western University
No classification provided (evidence only). Condition: Familial cancer of breast. Review status: no classification provided. Collection method: in vitro. Allele origin: not applicable. Functional consequence: retained intron. Not counted in ClinVar's aggregate classification.

Dr. Peter K. Rogan Lab, Western University
No classification provided (evidence only). Condition: Malignant lymphoma, large B-cell, diffuse. Review status: no classification provided. Collection method: in vitro. Allele origin: not applicable. Functional consequence: retained intron. Not counted in ClinVar's aggregate classification.

Dr. Peter K. Rogan Lab, Western University
No classification provided (evidence only). Condition: Malignant lymphoma, large B-cell, diffuse. Review status: no classification provided. Collection method: in vitro. Allele origin: not applicable. Functional consequence: retained intron. Not counted in ClinVar's aggregate classification.

Dr. Peter K. Rogan Lab, Western University
No classification provided (evidence only). Condition: Malignant lymphoma, large B-cell, diffuse. Review status: no classification provided. Collection method: in vitro. Allele origin: not applicable. Functional consequence: retained intron. Not counted in ClinVar's aggregate classification.

Dr. Peter K. Rogan Lab, Western University
No classification provided (evidence only). Condition: Malignant lymphoma, large B-cell, diffuse. Review status: no classification provided. Collection method: in vitro. Allele origin: not applicable. Functional consequence: retained intron. Not counted in ClinVar's aggregate classification.

Dr. Peter K. Rogan Lab, Western University
No classification provided (evidence only). Condition: Malignant lymphoma, large B-cell, diffuse. Review status: no classification provided. Collection method: in vitro. Allele origin: not applicable. Functional consequence: retained intron. Not counted in ClinVar's aggregate classification.

Dr. Peter K. Rogan Lab, Western University
No classification provided (evidence only). Condition: Cholangiocarcinoma. Review status: no classification provided. Collection method: in vitro. Allele origin: not applicable. Functional consequence: retained intron. Not counted in ClinVar's aggregate classification.

Dr. Peter K. Rogan Lab, Western University
No classification provided (evidence only). Condition: Cholangiocarcinoma. Review status: no classification provided. Collection method: in vitro. Allele origin: not applicable. Functional consequence: retained intron. Not counted in ClinVar's aggregate classification.

Dr. Peter K. Rogan Lab, Western University
No classification provided (evidence only). Condition: Cholangiocarcinoma. Review status: no classification provided. Collection method: in vitro. Allele origin: not applicable. Functional consequence: retained intron. Not counted in ClinVar's aggregate classification.

Dr. Peter K. Rogan Lab, Western University
No classification provided (evidence only). Condition: Cholangiocarcinoma. Review status: no classification provided. Collection method: in vitro. Allele origin: not applicable. Functional consequence: retained intron. Not counted in ClinVar's aggregate classification.

Dr. Peter K. Rogan Lab, Western University
No classification provided (evidence only). Condition: Cholangiocarcinoma. Review status: no classification provided. Collection method: in vitro. Allele origin: not applicable. Functional consequence: retained intron. Not counted in ClinVar's aggregate classification.

Dr. Peter K. Rogan Lab, Western University
No classification provided (evidence only). Condition: Cholangiocarcinoma. Review status: no classification provided. Collection method: in vitro. Allele origin: not applicable. Functional consequence: retained intron. Not counted in ClinVar's aggregate classification.

Dr. Peter K. Rogan Lab, Western University
No classification provided (evidence only). Condition: Adrenocortical carcinoma, hereditary. Review status: no classification provided. Collection method: in vitro. Allele origin: not applicable. Functional consequence: retained intron. Not counted in ClinVar's aggregate classification.